The following is an entry in ClinVar:

NM_031460.4(KCNK17):c.435C>T (p.Leu145=)

Gene: KCNK17 (potassium two pore domain channel subfamily K member 17; minus strand). Cytogenetic location: 6p21.2.
Variant type: single nucleotide variant.
Coding change: c.435C>T on transcript NM_031460.4 (MANE Select); coding-DNA position 435, C replaced by T.
Protein change: p.Leu145=; no amino-acid change (leucine 145 retained).
Molecular consequence: synonymous variant.
Genome position (GRCh38, 1-based): chr6:39,304,573, G>A on the plus strand (C>T on the coding strand, the complement: KCNK17 is on the minus strand). VCF-style: chr6-39304573-G-A. GRCh37 (hg19) VCF-style: chr6-39272349-G-A.
Other names: c.435C>T, p.Leu145= (NM_001135111.2).
Identifiers: ClinVar variation 132904 (VCV000132904.2), dbSNP rs483353014, ClinGen allele CA233364.

ClinVar aggregate classification (germline): Uncertain significance (0 of 4 stars; one submission).

Allele frequency attached by ClinVar (database versions not stated): gnomAD 0.00003; ExAC 0.00006; TOPMed 0.00012; 1000 Genomes Project 30x 0.00016; 1000 Genomes Project 0.00020.
gnomAD v4.1: 54 of 1,614,126 alleles (0.0033%); highest among the groups gnomAD compares: East Asian, 0.036%; 2 homozygotes.

Submission:

Institute for Genetics of Heart Diseases,  University Hospital Muenster
Classification: Uncertain significance. Review status: no assertion criteria provided. Collection method: not provided. Allele origin: unknown.
ClinVar note: Converted during submission from unknown to Uncertain significance.